The following is an entry in ClinVar:

ClinVar aggregate classification (germline): Conflicting classifications of pathogenicity. Review status: criteria provided, conflicting classifications (1 of 4 stars). 3 submissions from 3 submitters: Uncertain significance (1); Likely benign (2). Last evaluated 2025-12-05.

Conditions:
COL18A1-related disorder. Also called: COL18A1-related condition; COL18A1-related disorders.

Allele frequency attached by ClinVar (database versions not stated): TOPMed 0.00001.
gnomAD v4.1: 10 of 1,612,908 alleles (0.00062%); highest among the groups gnomAD compares: Admixed American, 0.01%; no homozygotes.

Submissions (3):

PreventionGenetics, part of Exact Sciences
Classification: Likely benign for COL18A1-related condition. Last evaluated: 2025-12-05. Review status: criteria provided, single submitter. Criteria: ACMG Guidelines, 2015. Collection method: clinical testing. Allele origin: germline.
Comment: This variant is classified as likely benign based on ACMG/AMP sequence variant interpretation guidelines (Richards et al. 2015 PMID: 25741868, with internal and published modifications).

Women's Health and Genetics/Laboratory Corporation of America, LabCorp
Classification: Uncertain significance. Last evaluated: 2024-07-23. Review status: criteria provided, single submitter. Criteria: LabCorp Variant Classification Summary - May 2015. Collection method: clinical testing. Allele origin: germline.
Comment: Variant summary: COL18A1 c.3249+7A>G alters a non-conserved nucleotide located close to a canonical splice site and therefore could affect mRNA splicing, leading to a significantly altered protein sequence. Consensus agreement among computation tools predict no significant impact on normal splicing. However, these predictions have yet to be confirmed by functional studies. The variant allele was found at a frequency of 2e-05 in 246944 control chromosomes. The available data on variant occurrences in the general population are insufficient to allow any conclusion about variant significance. To our knowledge, no occurrence of c.3249+7A>G in individuals affected with Knobloch Syndrome 1 and no experimental evidence demonstrating its impact on protein function have been reported. ClinVar contains an entry for this variant (Variation ID: 2414905). Based on the evidence outlined above, the variant was classified as uncertain significance.

Labcorp Genetics (formerly Invitae), Labcorp
Classification: Likely benign. Last evaluated: 2023-11-06. Review status: criteria provided, single submitter. Criteria: Invitae Variant Classification Sherloc (09022015). Collection method: clinical testing. Allele origin: germline.

NM_001379500.1(COL18A1):c.3249+7A>G

Genes: COL18A1 (collagen type XVIII alpha 1 chain; plus strand), SLC19A1 (solute carrier family 19 member 1; minus strand). Cytogenetic location: 21q22.3.
Variant type: single nucleotide variant.
Coding change: c.3249+7A>G on transcript NM_001379500.1 (MANE Select); 7 bases into the intron after coding-DNA position 3249, A replaced by G.
Molecular consequence: intron variant.
Genome position (GRCh38, 1-based): chr21:45,507,600, A>G. VCF-style: chr21-45507600-A-G. GRCh37 (hg19) VCF-style: chr21-46927514-A-G.
Other names: c.4494+7A>G (NM_130444.3); c.3789+7A>G (NM_030582.4); c.3780+7A>G (NM_030582.3).
Identifiers: ClinVar variation 2414905 (VCV002414905.9), dbSNP rs765776651, ClinGen allele CA10067806.